The following is an entry in ClinVar:

NM_013432.5(TONSL):c.3387+1G>A

Gene: TONSL (tonsoku like, DNA repair protein; minus strand). Cytogenetic location: 8q24.3.
Variant type: single nucleotide variant.
Coding change: c.3387+1G>A on transcript NM_013432.5 (MANE Select); the canonical splice donor site of the intron after coding-DNA position 3387, G replaced by A.
Molecular consequence: splice donor variant.
Genome position (GRCh38, 1-based): chr8:144,433,977, C>T on the plus strand (G>A on the coding strand, the complement: TONSL is on the minus strand). VCF-style: chr8-144433977-C-T. GRCh37 (hg19) VCF-style: chr8-145659360-C-T.
Identifiers: ClinVar variation 1997936 (VCV001997936.4), dbSNP rs375513978, ClinGen allele CA372645122.

ClinVar aggregate classification (germline): Likely pathogenic (1 of 4 stars; one submission).

Allele frequency attached by ClinVar (database versions not stated): gnomAD exomes below 0.00001.
gnomAD v4.1: 2 of 1,578,084 alleles (0.00013%); highest among the groups gnomAD compares: East Asian, 0.0023%; no homozygotes.

Submission:

Labcorp Genetics (formerly Invitae), Labcorp
Classification: Likely pathogenic. Last evaluated: 2022-06-01. Review status: criteria provided, single submitter. Criteria: Invitae Variant Classification Sherloc (09022015). Collection method: clinical testing. Allele origin: germline.
Comment: The frequency data for this variant in the population databases is considered unreliable, as metrics indicate poor data quality at this position in the gnomAD database. This sequence change affects a donor splice site in intron 21 of the TONSL gene. It is expected to disrupt RNA splicing. Variants that disrupt the donor or acceptor splice site typically lead to a loss of protein function (PMID: 16199547), and loss-of-function variants in TONSL are known to be pathogenic (PMID: 30773277). This variant has not been reported in the literature in individuals affected with TONSL-related conditions. In summary, the currently available evidence indicates that the variant is pathogenic, but additional data are needed to prove that conclusively. Therefore, this variant has been classified as Likely Pathogenic. Algorithms developed to predict the effect of sequence changes on RNA splicing suggest that this variant may disrupt the consensus splice site.

Literature cited by the submitters: PubMed 16199547; PubMed 30773277.